The following is an entry in ClinVar:

ClinVar aggregate classification (germline): Uncertain significance (1 of 4 stars; one submission).

Allele frequency attached by ClinVar (database versions not stated): gnomAD exomes below 0.00001.

Submission:

Labcorp Genetics (formerly Invitae), Labcorp
Classification: Uncertain significance. Last evaluated: 2023-08-27. Review status: criteria provided, single submitter. Criteria: Invitae Variant Classification Sherloc (09022015). Collection method: clinical testing. Allele origin: germline.
Comment: In summary, the available evidence is currently insufficient to determine the role of this variant in disease. Therefore, it has been classified as a Variant of Uncertain Significance. Algorithms developed to predict the effect of missense changes on protein structure and function output the following: SIFT: "Not Available"; PolyPhen-2: "Benign"; Align-GVGD: "Not Available". The isoleucine amino acid residue is found in multiple mammalian species, which suggests that this missense change does not adversely affect protein function. ClinVar contains an entry for this variant (Variation ID: 938878). This variant has not been reported in the literature in individuals affected with ZNF408-related conditions. This variant is not present in population databases (gnomAD no frequency). This sequence change replaces valine, which is neutral and non-polar, with isoleucine, which is neutral and non-polar, at codon 201 of the ZNF408 protein (p.Val201Ile).

NM_024741.3(ZNF408):c.601G>A (p.Val201Ile)

Gene: ZNF408 (zinc finger protein 408; plus strand). Cytogenetic location: 11p11.2.
Variant type: single nucleotide variant.
Coding change: c.601G>A on transcript NM_024741.3 (MANE Select); coding-DNA position 601, G replaced by A.
Protein change: p.Val201Ile; replaces valine 201 with isoleucine.
Molecular consequence: missense variant.
Genome position (GRCh38, 1-based): chr11:46,703,192, G>A. VCF-style: chr11-46703192-G-A. GRCh37 (hg19) VCF-style: chr11-46724742-G-A.
Other names: c.577G>A, p.Val193Ile (NM_001184751.2); short protein forms V201I, V193I.
Identifiers: ClinVar variation 938878 (VCV000938878.9), dbSNP rs2064723858, ClinGen allele CA380252612.
Genomic context (GRCh38, chr11:46,703,192, plus strand): 5'-ACCCAGCCTGGGCTGGACAAAGAGGCAGCTGTAGCAGTGGTGACAGAAGTGGAGTCTGCT[G>A]TACAGCAGGAAGTGGCCTCCCCTGGGGAGGATGCAGCAGAACCTTGCATAGGTATGTGTC-3'
Protein context (NP_079017.1, residues 191-211): VAVVTEVESA[Val201Ile]QQEVASPGED